The following is an entry in ClinVar:

NM_032607.3(CREB3L3):c.632_633del (p.Gln211fs)

Gene: CREB3L3 (cAMP responsive element binding protein 3 like 3; plus strand). Cytogenetic location: 19p13.3.
Variant type: Deletion.
Coding change: c.632_633del on transcript NM_032607.3 (MANE Select); coding-DNA positions 632 to 633, 2 bases deleted (AG; older notation c.632_633delAG).
Protein change: p.Gln211fs; shifts the reading frame from glutamine 211.
Molecular consequence: frameshift variant.
Genome position (GRCh38, 1-based): chr19:4,164,558-4,164,559, AG deleted. VCF-style (leftmost placement, unchanged base first): chr19-4164557-CAG-C. GRCh37 (hg19) VCF-style: chr19-4164554-CAG-C.
Other names: c.629_630del, p.Gln210fs (NM_001271995.2); c.626_627del, p.Gln209fs (NM_001271996.2); c.632_633del, p.Gln211fs (NM_001271997.2); short protein forms Q210fs, Q211fs, Q209fs.
Identifiers: ClinVar variation 4727044 (VCV004727044.1).

ClinVar aggregate classification (germline): Pathogenic (1 of 4 stars; one submission).

Submission:

Labcorp Genetics (formerly Invitae), Labcorp
Classification: Pathogenic. Last evaluated: 2025-09-11. Review status: criteria provided, single submitter. Criteria: Invitae Variant Classification Sherloc (09022015). Collection method: clinical testing. Allele origin: germline.
Comment: This sequence change creates a premature translational stop signal (p.Gln211Argfs*8) in the CREB3L3 gene. It is expected to result in an absent or disrupted protein product. Loss-of-function variants in CREB3L3 are known to be pathogenic (PMID: 21666694, 26427795). This variant is not present in population databases (gnomAD no frequency). This variant has not been reported in the literature in individuals affected with CREB3L3-related conditions. For these reasons, this variant has been classified as Pathogenic.

Literature cited by the submitters: PubMed 21666694; PubMed 26427795.